The following is an entry in ClinVar:

NM_003321.5(TUFM):c.45C>G (p.His15Gln)

Genes: TUFM (Tu translation elongation factor, mitochondrial; minus strand), LOC130058735 (ATAC-STARR-seq lymphoblastoid active region 10645; plus strand). Cytogenetic location: 16p11.2.
Variant type: single nucleotide variant.
Coding change: c.45C>G on transcript NM_003321.5 (MANE Select); coding-DNA position 45, C replaced by G.
Protein change: p.His15Gln; replaces histidine 15 with glutamine.
Molecular consequence: missense variant.
Genome position (GRCh38, 1-based): chr16:28,846,225, G>C on the plus strand (C>G on the coding strand, the complement: TUFM is on the minus strand). VCF-style: chr16-28846225-G-C. GRCh37 (hg19) VCF-style: chr16-28857546-G-C.
Other names: c.45C>G, p.His15Gln (NM_001365360.2); short protein forms H15Q.
Identifiers: ClinVar variation 2092948 (VCV002092948.4), dbSNP rs1961955726, ClinGen allele CA395419293.

ClinVar aggregate classification (germline): Uncertain significance (1 of 4 stars; one submission).

Submission:

Labcorp Genetics (formerly Invitae), Labcorp
Classification: Uncertain significance. Last evaluated: 2022-08-16. Review status: criteria provided, single submitter. Criteria: Invitae Variant Classification Sherloc (09022015). Collection method: clinical testing. Allele origin: germline.
Comment: In summary, the available evidence is currently insufficient to determine the role of this variant in disease. Therefore, it has been classified as a Variant of Uncertain Significance. Algorithms developed to predict the effect of sequence changes on RNA splicing suggest that this variant may create or strengthen a splice site. Algorithms developed to predict the effect of missense changes on protein structure and function (SIFT, PolyPhen-2, Align-GVGD) all suggest that this variant is likely to be tolerated. This variant has not been reported in the literature in individuals affected with TUFM-related conditions. This variant is not present in population databases (gnomAD no frequency). This sequence change replaces histidine, which is basic and polar, with glutamine, which is neutral and polar, at codon 15 of the TUFM protein (p.His15Gln).